The following is an entry in ClinVar:

NM_004260.4(RECQL4):c.1409dup (p.Gln471fs)

Gene: RECQL4 (RecQ like helicase 4; minus strand). Cytogenetic location: 8q24.3.
Variant type: Duplication.
Coding change: c.1409dup on transcript NM_004260.4 (MANE Select); coding-DNA position 1409, one base duplicated (T; older notation c.1409dupT).
Protein change: p.Gln471fs; shifts the reading frame from glutamine 471.
Molecular consequence: frameshift variant.
Genome position (GRCh38, 1-based): chr8:144,515,224, A duplicated on the plus strand (T on the coding strand, the reverse complement: RECQL4 is on the minus strand); the first of 2 consecutive A bases (chr8:144,515,224-144,515,225); duplicating either gives the same sequence. VCF-style (leftmost placement, unchanged base first): chr8-144515223-G-GA. GRCh37 (hg19) VCF-style: chr8-145740607-G-GA.
Other names: short protein forms Q471fs.
Identifiers: ClinVar variation 845205 (VCV000845205.6), dbSNP rs1827984994, ClinGen allele CA916083024.

ClinVar aggregate classification (germline): Pathogenic (1 of 4 stars; one submission).

Conditions:
Baller-Gerold syndrome (BGS). Also called: CRANIOSYNOSTOSIS WITH RADIAL DEFECTS. Identifiers: Orphanet 1225, MedGen C0265308, MONDO:0009039, OMIM 218600.

Submission:

Labcorp Genetics (formerly Invitae), Labcorp
Classification: Pathogenic for Baller-Gerold syndrome. Last evaluated: 2024-04-29. Review status: criteria provided, single submitter. Criteria: Invitae Variant Classification Sherloc (09022015). Collection method: clinical testing. Allele origin: germline.
Comment: This sequence change creates a premature translational stop signal (p.Gln471Profs*69) in the RECQL4 gene. It is expected to result in an absent or disrupted protein product. Loss-of-function variants in RECQL4 are known to be pathogenic (PMID: 12734318, 12952869). This variant is not present in population databases (gnomAD no frequency). This variant has not been reported in the literature in individuals affected with RECQL4-related conditions. ClinVar contains an entry for this variant (Variation ID: 845205). For these reasons, this variant has been classified as Pathogenic.

Literature cited by the submitters: PubMed 12734318; PubMed 12952869.